The following is an entry in ClinVar:

ClinVar aggregate classification (germline): Likely benign (1 of 4 stars; one submission).

Allele frequency attached by ClinVar (database versions not stated): gnomAD 0.00389 and 0.00416; 1000 Genomes Project 0.00439; TOPMed 0.00454; 1000 Genomes Project 30x 0.00578.
gnomAD v4.1: 582 of 152,116 alleles (0.38%); highest among the groups gnomAD compares: African/African-American, 1.4%; 8 homozygotes.

Submission:

GeneDx
Classification: Likely benign. Last evaluated: 2021-12-14. Review status: criteria provided, single submitter. Criteria: GeneDx Variant Classification Process June 2021. Collection method: clinical testing. Allele origin: germline. Affected: yes.
Comment: See Variant Classification Assertion Criteria.

NM_015192.4(PLCB1):c.246+61913G>C

Gene: PLCB1 (phospholipase C beta 1; plus strand). Cytogenetic location: 20p12.3.
Variant type: single nucleotide variant.
Coding change: c.246+61913G>C on transcript NM_015192.4 (MANE Select); 61913 bases into the intron after coding-DNA position 246, G replaced by C.
Genome position (GRCh38, 1-based): chr20:8,433,363, G>C. VCF-style: chr20-8433363-G-C. GRCh37 (hg19) VCF-style: chr20-8414010-G-C.
Other names: c.246+61913G>C (NM_182734.3).
Identifiers: ClinVar variation 1691791 (VCV001691791.2), dbSNP rs144176666, ClinGen allele CA311651702.
Genomic context (GRCh38, chr20:8,433,363, plus strand): 5'-CTAATAACTGTAGAACAAGAAAGGATTCTAGAAAAATCTTGGGAAAAATTATTAATGAGG[G>C]GCCTGAGGGCTTAAGTTTGGGGAGAGTGGGCTTCTTTTGATTTGCAATGTGGAAGCTGCT-3'